The following is an entry in ClinVar:

ClinVar aggregate classification (germline): Conflicting classifications of pathogenicity. Review status: criteria provided, conflicting classifications (1 of 4 stars). 3 submissions from 3 submitters: Uncertain significance (2); Likely benign (1). Last evaluated 2026-06-09.

Conditions:
Inborn genetic diseases. Identifiers: MedGen C0950123, MeSH D030342.
DYNC1H1-related disorder. Also called: DYNC1H1-related condition; DYNC1H1-related disorders. Identifiers: MedGen CN381529.
Charcot-Marie-Tooth disease axonal type 2O. Also called: CHARCOT-MARIE-TOOTH NEUROPATHY, AXONAL, TYPE 2O; CHARCOT-MARIE-TOOTH DISEASE, AXONAL, AUTOSOMAL DOMINANT, TYPE 2O; Charcot-Marie-Tooth Neuropathy Type 2O; Charcot-Marie-Tooth disease, axonal, type 20. Identifiers: Orphanet 284232, MedGen C3280220, MONDO:0013644, OMIM 614228.

Allele frequency attached by ClinVar (database versions not stated): ExAC 0.00001; gnomAD 0.00001; gnomAD exomes 0.00001.

Submissions (3):

PreventionGenetics, part of Exact Sciences
Classification: Uncertain significance for DYNC1H1-related condition. Last evaluated: 2026-06-09. Review status: criteria provided, single submitter. Criteria: ACMG Guidelines, 2015. Collection method: clinical testing. Allele origin: germline.
Comment: The DYNC1H1 c.12521A>G variant is predicted to result in the amino acid substitution p.Asn4174Ser. To our knowledge, this variant has not been reported in the literature. This variant is reported in 0.0040% of alleles in individuals of African descent in gnomAD. At this time, the clinical significance of this variant is uncertain due to the absence of conclusive functional and genetic evidence.

Ambry Genetics
Classification: Uncertain significance for Inborn genetic diseases. Last evaluated: 2025-11-11. Review status: criteria provided, single submitter. Criteria: Ambry Variant Classification Scheme 2023. Collection method: clinical testing. Allele origin: germline.

Labcorp Genetics (formerly Invitae), Labcorp
Classification: Likely benign for Charcot-Marie-Tooth disease axonal type 2O. Last evaluated: 2023-07-30. Review status: criteria provided, single submitter. Criteria: Invitae Variant Classification Sherloc (09022015). Collection method: clinical testing. Allele origin: germline.

NM_001376.5(DYNC1H1):c.12521A>G (p.Asn4174Ser)

Gene: DYNC1H1 (dynein cytoplasmic 1 heavy chain 1; plus strand). Cytogenetic location: 14q32.31.
Variant type: single nucleotide variant.
Coding change: c.12521A>G on transcript NM_001376.5 (MANE Select); coding-DNA position 12521, A replaced by G.
Protein change: p.Asn4174Ser; replaces asparagine 4174 with serine.
Molecular consequence: missense variant.
Genome position (GRCh38, 1-based): chr14:102,043,882, A>G. VCF-style: chr14-102043882-A-G. GRCh37 (hg19) VCF-style: chr14-102510219-A-G.
Other names: c.12521A>G (NM_001376.4); short protein forms N4174S.
Identifiers: ClinVar variation 1433102 (VCV001433102.10), dbSNP rs772206416, ClinGen allele CA7353967.